The following is an entry in ClinVar:

ClinVar aggregate classification (germline): Uncertain significance (1 of 4 stars; one submission).

Conditions:
Hereditary cancer-predisposing syndrome. Also called: Hereditary Cancer Syndrome; Hereditary neoplastic syndrome; Tumor predisposition; Neoplastic Syndromes, Hereditary. Identifiers: Orphanet 140162, MedGen C0027672, MeSH D009386, MONDO:0015356.
Ataxia-telangiectasia-like disorder 1 (ATLD1). Identifiers: Orphanet 251347, MedGen C4012790, MONDO:0024557, OMIM 604391.

Submission:

Ambry Genetics
Classification: Uncertain significance for Hereditary cancer-predisposing syndrome. Last evaluated: 2024-12-05. Review status: criteria provided, single submitter. Criteria: Ambry Variant Classification Scheme 2023. Collection method: clinical testing. Allele origin: germline.
Comment: The p.N65D variant (also known as c.193A>G), located in coding exon 3 of the MRE11A gene, results from an A to G substitution at nucleotide position 193. The asparagine at codon 65 is replaced by aspartic acid, an amino acid with highly similar properties. This amino acid position is conserved. In addition, the in silico prediction for this alteration is inconclusive. Based on the available evidence, the clinical significance of this variant remains unclear.

NM_005591.4(MRE11):c.193A>G (p.Asn65Asp)

Gene: MRE11 (MRE11 double strand break repair nuclease; minus strand). Cytogenetic location: 11q21.
Variant type: single nucleotide variant.
Coding change: c.193A>G on transcript NM_005591.4 (MANE Select); coding-DNA position 193, A replaced by G.
Protein change: p.Asn65Asp; replaces asparagine 65 with aspartic acid.
Molecular consequence: missense variant.
Genome position (GRCh38, 1-based): chr11:94,486,045, T>C on the plus strand (A>G on the coding strand, the complement: MRE11 is on the minus strand). VCF-style: chr11-94486045-T-C. GRCh37 (hg19) VCF-style: chr11-94219211-T-C.
Other names: c.193A>G, p.Asn65Asp (NM_001330347.2, NM_005590.4); short protein forms N65D.
Identifiers: ClinVar variation 973067 (VCV000973067.3), dbSNP rs1947135355, ClinGen allele CA382379791.
Genomic context (GRCh38, chr11:94,486,045, plus strand): 5'-CCATACAATATTTTCTTAATAACTCGAGGCAGGTATGTAATGTTTTCCTTGAGGGCTTAT[T>C]TTCATGAAAAAGATCACCACCTAACAAAATAAAATCCACCTGATCAACAGAAAAAGGTGT-3'
Protein context (NP_005582.1, residues 55-75): ILLGGDLFHE[Asn65Asp]KPSRKTLHTC